The following is an entry in ClinVar:

NM_024494.3(WNT2B):c.252G>C (p.Gln84His)

Gene: WNT2B (Wnt family member 2B; plus strand). Cytogenetic location: 1p13.2.
Variant type: single nucleotide variant.
Coding change: c.252G>C on transcript NM_024494.3 (MANE Select); coding-DNA position 252, G replaced by C.
Protein change: p.Gln84His; replaces glutamine 84 with histidine.
Molecular consequence: missense variant. On other transcripts: 5 prime UTR variant (1).
Genome position (GRCh38, 1-based): chr1:112,514,943, G>C. VCF-style: chr1-112514943-G-C. GRCh37 (hg19) VCF-style: chr1-113057565-G-C.
Other names: c.-25G>C (NM_001291880.1); c.195G>C, p.Gln65His (NM_004185.4); short protein forms Q65H, Q84H.
Identifiers: ClinVar variation 2107953 (VCV002107953.1), dbSNP rs752656215, ClinGen allele CA1008226.

ClinVar aggregate classification (germline): Uncertain significance (1 of 4 stars; one submission).

Allele frequency attached by ClinVar (database versions not stated): ExAC 0.00001.
gnomAD v4.1: 1 of 1,614,248 alleles (0.000062%); highest among the groups gnomAD compares: South Asian, 0.0011%; no homozygotes.

Submission:

Labcorp Genetics (formerly Invitae), Labcorp
Classification: Uncertain significance. Last evaluated: 2022-03-09. Review status: criteria provided, single submitter. Criteria: Invitae Variant Classification Sherloc (09022015). Collection method: clinical testing. Allele origin: germline.
Comment: This sequence change replaces glutamine, which is neutral and polar, with histidine, which is basic and polar, at codon 84 of the WNT2B protein (p.Gln84His). This variant is present in population databases (rs752656215, gnomAD 0.003%). This variant has not been reported in the literature in individuals affected with WNT2B-related conditions. Algorithms developed to predict the effect of missense changes on protein structure and function (SIFT, PolyPhen-2, Align-GVGD) all suggest that this variant is likely to be tolerated. In summary, the available evidence is currently insufficient to determine the role of this variant in disease. Therefore, it has been classified as a Variant of Uncertain Significance.